The following is an entry in ClinVar:

NM_020778.5(ALPK3):c.4130-4T>G

Gene: ALPK3 (alpha kinase 3; plus strand). Cytogenetic location: 15q25.3.
Variant type: single nucleotide variant.
Coding change: c.4130-4T>G on transcript NM_020778.5 (MANE Select); 4 bases into the intron before coding-DNA position 4130, T replaced by G.
Molecular consequence: intron variant.
Genome position (GRCh38, 1-based): chr15:84,862,631, T>G. VCF-style: chr15-84862631-T-G. GRCh37 (hg19) VCF-style: chr15-85405862-T-G.
Identifiers: ClinVar variation 1806164 (VCV001806164.1), dbSNP rs2505727234, ClinGen allele CA1139771213.

ClinVar aggregate classification (germline): Uncertain significance (1 of 4 stars; one submission).

Conditions:
Cardiomyopathy, familial hypertrophic 27. Identifiers: MedGen C4748014, MONDO:0054838, OMIM 618052.

Submission:

Victorian Clinical Genetics Services, Murdoch Childrens Research Institute
Classification: Uncertain significance for Cardiomyopathy, familial hypertrophic 27. Last evaluated: 2021-05-06. Review status: criteria provided, single submitter. Criteria: ACMG Guidelines, 2015. Collection method: clinical testing. Allele origin: germline. Inheritance: Autosomal recessive inheritance. Affected: yes.
Comment: Based on the classification scheme VCGS_Germline_v1.3.3, this variant is classified as VUS-3C. Following criteria are met: 0102 - Loss of function is a known mechanism of disease in this gene and is associated with familial hypertrophic cardiomyopathy 27 (MIM#618052). (I) 0106 - This gene is associated with autosomal recessive disease. (I) 0212 - Non-canonical splice site variant without proven consequence on splicing (no functional evidence available). (SP) 0251 - This variant is heterozygous. (I) 0301 - Variant is absent from gnomAD (both v2 and v3). (SP) 0506 - Abnormal splicing is not predicted and nucleotide is poorly conserved. (SB) 0705 - No comparable splice site variants have previous evidence for pathogenicity. (I) 0807 - This variant has no previous evidence of pathogenicity. (I) 0905 - No published segregation evidence has been identified for this variant. (I) 1007 - No published functional evidence has been identified for this variant. (I) 1208 - Inheritance information for this variant is not currently available in this individual. (I) Legend: (SP) - Supporting pathogenic, (I) - Information, (SB) - Supporting benign